The following is an entry in ClinVar:

NM_000038.6(APC):c.2122A>T (p.Lys708Ter)

Gene: APC (APC regulator of Wnt signaling pathway; plus strand). Cytogenetic location: 5q22.2.
Variant type: single nucleotide variant.
Coding change: c.2122A>T on transcript NM_000038.6 (MANE Select); coding-DNA position 2122, A replaced by T.
Protein change: p.Lys708Ter; replaces lysine 708 with a stop codon.
Molecular consequence: nonsense. On other transcripts: non-coding transcript variant (2).
Genome position (GRCh38, 1-based): chr5:112,837,716, A>T. VCF-style: chr5-112837716-A-T. GRCh37 (hg19) VCF-style: chr5-112173413-A-T.
Other names: c.2122A>T, p.Lys708Ter (NM_001127510.3, NM_001354895.2, NM_001407450.1); c.2068A>T, p.Lys690Ter (NM_001127511.3); c.2176A>T, p.Lys726Ter (NM_001354896.2, NM_001407447.1, NM_001407448.1 and 1 more transcripts); c.2152A>T, p.Lys718Ter (NM_001354897.2); c.2047A>T, p.Lys683Ter (NM_001354898.2); c.2038A>T, p.Lys680Ter (NM_001354899.2); c.1999A>T, p.Lys667Ter (NM_001354900.2); c.1945A>T, p.Lys649Ter (NM_001354901.2, NM_001407453.1); and 11 more; short protein forms K324*, K425*, K548*, K579*, K582*, K607*, K617*, K625*.
Identifiers: ClinVar variation 3379108 (VCV003379108.1).
Genomic context (GRCh38, chr5:112,837,716, plus strand): 5'-TCAGCAAGAAATCCTAAAGACCAGGAAGCATTATGGGACATGGGGGCAGTTAGCATGCTC[A>T]AGAACCTCATTCATTCAAAGCACAAAATGATTGCTATGGGAAGTGCTGCAGCTTTAAGGA-3'

ClinVar aggregate classification (germline): Pathogenic (1 of 4 stars; one submission).

Conditions:
Familial adenomatous polyposis 1 (FAP1). Also called: FAMILIAL ADENOMATOUS POLYPOSIS 1, ATTENUATED; POLYPOSIS, ADENOMATOUS INTESTINAL. Identifiers: MedGen C2713442, MONDO:0021056, OMIM 175100. Disease mechanism: loss of function.

Submission:

Myriad Genetics, Inc.
Classification: Pathogenic for Familial adenomatous polyposis 1. Last evaluated: 2024-09-24. Review status: criteria provided, single submitter. Criteria: Myriad Autosomal Dominant, Autosomal Recessive and X-Linked Classification Criteria (2023). Collection method: clinical testing. Allele origin: unknown.
Comment: This variant is considered pathogenic. This variant creates a termination codon and is predicted to result in premature protein truncation.